The following is an entry in ClinVar:

NM_001278716.2(FBXL4):c.1836del (p.Val613fs)

Gene: FBXL4 (F-box and leucine rich repeat protein 4; minus strand). Cytogenetic location: 6q16.1.
Variant type: Deletion.
Coding change: c.1836del on transcript NM_001278716.2 (MANE Select); coding-DNA position 1836, one base deleted (A; older notation c.1836delA).
Protein change: p.Val613fs; shifts the reading frame from valine 613.
Molecular consequence: frameshift variant. On other transcripts: non-coding transcript variant (1).
Genome position (GRCh38, 1-based): chr6:98,874,308, T deleted on the plus strand (A on the coding strand, the reverse complement: FBXL4 is on the minus strand); the first of 4 consecutive T bases (chr6:98,874,308-98,874,311); deleting any one gives the same sequence. VCF-style (leftmost placement, unchanged base first): chr6-98874307-CT-C. GRCh37 (hg19) VCF-style: chr6-99322183-CT-C.
Other names: c.1836del, p.Val613fs (NM_012160.5); short protein forms V613fs.
Identifiers: ClinVar variation 437821 (VCV000437821.1), dbSNP rs751656896, ClinGen allele CA3933335.
Genomic context (GRCh38, chr6:98,874,307, plus strand): 5'-ACATTAATTTTAATACAGAACATATATTAAGTCACTGAGTAAAGCTCTTTTTTATGAACA[CT>C]TTTGGAAAGCTTGCATTCAGTTCTAGCACAGCTCTGTTATCAATCTGCGAACAGAAGGAC-3'

ClinVar aggregate classification (germline): Likely pathogenic (1 of 4 stars; one submission).

Conditions:
Mitochondrial DNA depletion syndrome 13. Also called: FBXL4-Related Encephalomyopathic Mitochondrial DNA Depletion Syndrome; Mitochondrial DNA depletion syndrome 13 (encephalomyopathic type). Identifiers: Orphanet 369897, MedGen C3809592, MONDO:0014198, OMIM 615471.

Submission:

Wong Mito Lab, Molecular and Human Genetics, Baylor College of Medicine
Classification: Likely pathogenic for Mitochondrial DNA depletion syndrome 13. Last evaluated: 2017-08-10. Review status: criteria provided, single submitter. Criteria: ACMG Guidelines, 2015. Collection method: reference population. Allele origin: germline.
Comment: The NM_012160.4:c.1836del (NP_036292.2:p.Val613CysfsTer3) [GRCH38: NC_000006.12:g.98874311del] variant in FBXL4 gene is interpretated to be a Likely Pathogenic based on ACMG guidelines (PMID: 25741868). This variant meets one or more of the following evidence codes reported in the ACMG-guideline. PVS1:This variant is a predcted null variant in FBXL4 where loss of function is a known mechanism of disease. PM2:This variant is absent in key population databases. Based on this evidence code ClinGen Pathogenicity Calculator (PMID:28081714) suggested that the variant is Likely Pathogenic.